The following is an entry in ClinVar:

NM_032119.4(ADGRV1):c.3826G>A (p.Gly1276Ser)

Gene: ADGRV1 (adhesion G protein-coupled receptor V1; plus strand). Cytogenetic location: 5q14.3.
Variant type: single nucleotide variant.
Coding change: c.3826G>A on transcript NM_032119.4 (MANE Select); coding-DNA position 3826, G replaced by A.
Protein change: p.Gly1276Ser; replaces glycine 1276 with serine.
Molecular consequence: missense variant. On other transcripts: non-coding transcript variant (1).
Genome position (GRCh38, 1-based): chr5:90,653,400, G>A. VCF-style: chr5-90653400-G-A. GRCh37 (hg19) VCF-style: chr5-89949217-G-A.
Other names: short protein forms G1276S.
Identifiers: ClinVar variation 2506066 (VCV002506066.4), dbSNP rs1408380251, ClinGen allele CA360399225.

ClinVar aggregate classification (germline): Uncertain significance. Review status: criteria provided, multiple submitters, no conflicts (2 of 4 stars). 2 submissions from 2 submitters: Uncertain significance (2). Last evaluated 2026-01-28.

Allele frequency attached by ClinVar (database versions not stated): gnomAD exomes below 0.00001; TOPMed below 0.00001; gnomAD 0.00001.
gnomAD v4.1: 7 of 1,613,808 alleles (0.00043%); highest among the groups gnomAD compares: South Asian, 0.0033%; no homozygotes.

Submissions (2):

Women's Health and Genetics/Laboratory Corporation of America, LabCorp
Classification: Uncertain significance. Last evaluated: 2026-01-28. Review status: criteria provided, single submitter. Criteria: LabCorp Variant Classification Summary - May 2015. Collection method: clinical testing. Allele origin: germline.
Comment: Variant summary: ADGRV1 c.3826G>A (p.Gly1276Ser) results in a non-conservative amino acid change in the encoded protein sequence. Algorithms developed to predict the effect of missense changes on protein structure and function are either unavailable or do not agree on the potential impact of this missense change. The variant was absent in 249096 control chromosomes. The available data on variant occurrences in the general population are insufficient to allow any conclusion about variant significance. To our knowledge, no occurrence of c.3826G>A in individuals affected with ADGRV1-related conditions and no experimental evidence demonstrating its impact on protein function have been reported. ClinVar contains an entry for this variant (Variation ID: 2506066). Based on the evidence outlined above, the variant was classified as uncertain significance.

Labcorp Genetics (formerly Invitae), Labcorp
Classification: Uncertain significance. Last evaluated: 2025-03-25. Review status: criteria provided, single submitter. Criteria: Invitae Variant Classification Sherloc (09022015). Collection method: clinical testing. Allele origin: germline.
Comment: This sequence change replaces glycine, which is neutral and non-polar, with serine, which is neutral and polar, at codon 1276 of the ADGRV1 protein (p.Gly1276Ser). This variant is not present in population databases (gnomAD no frequency). This variant has not been reported in the literature in individuals affected with ADGRV1-related conditions. ClinVar contains an entry for this variant (Variation ID: 2506066). Invitae Evidence Modeling of protein sequence and biophysical properties (such as structural, functional, and spatial information, amino acid conservation, physicochemical variation, residue mobility, and thermodynamic stability) has been performed for this missense variant. However, the output from this modeling did not meet the statistical confidence thresholds required to predict the impact of this variant on ADGRV1 protein function. In summary, the available evidence is currently insufficient to determine the role of this variant in disease. Therefore, it has been classified as a Variant of Uncertain Significance.